The following is an entry in ClinVar:

NM_018344.6(SLC29A3):c.1157G>A (p.Arg386Gln)

Gene: SLC29A3 (solute carrier family 29 member 3; plus strand). Cytogenetic location: 10q22.1.
Variant type: single nucleotide variant.
Coding change: c.1157G>A on transcript NM_018344.6 (MANE Select); coding-DNA position 1157, G replaced by A.
Protein change: p.Arg386Gln; replaces arginine 386 with glutamine.
Molecular consequence: missense variant. On other transcripts: 3 prime UTR variant (1), non-coding transcript variant (2).
Genome position (GRCh38, 1-based): chr10:71,362,337, G>A. VCF-style: chr10-71362337-G-A. GRCh37 (hg19) VCF-style: chr10-73122094-G-A.
Other names: c.*386G>A (NM_001174098.2); c.923G>A, p.Arg308Gln (NM_001363518.2); short protein forms R386Q, R308Q.
Identifiers: ClinVar variation 39870 (VCV000039870.5), dbSNP rs397515429, ClinGen allele CA130660.

ClinVar aggregate classification (germline): Conflicting classifications of pathogenicity. Review status: criteria provided, conflicting classifications (1 of 4 stars). 3 submissions from 3 submitters: Likely pathogenic (1); Uncertain significance (1). 1 of the submissions does not count toward it. Last evaluated 2026-06-29.

Conditions:
Fetal anomalies with a likely genetic cause.
H syndrome. Also called: HISTIOCYTOSIS AND LYMPHADENOPATHY WITH OR WITHOUT CUTANEOUS, CARDIAC, AND/OR ENDOCRINE FEATURES, JOINT CONTRACTURES, AND/OR DEAFNESS; HYPERPIGMENTATION, CUTANEOUS, WITH HYPERTRICHOSIS, HEPATOSPLENOMEGALY, HEART ANOMALIES, AND HYPOGONADISM WITH OR WITHOUT HEARING LOSS; PIGMENTED HYPERTRICHOSIS WITH INSULIN-DEPENDENT DIABETES MELLITUS; ROSAI-DORFMAN DISEASE, FAMILIAL; SINUS HISTIOCYTOSIS AND MASSIVE LYMPHADENOPATHY; Hyperpigmentation, Cutaneous, with Hypertrichosis, Hepatosplenomegaly, Heart Anomalies, Hearing Loss, and Hypogonadism. Identifiers: Orphanet 168569, MedGen C1864445, MONDO:0011273, OMIM 602782.

Allele frequency attached by ClinVar (database versions not stated): gnomAD 0.00001 and 0.00003; ExAC 0.00002; 1000 Genomes Project 30x 0.00031; TOPMed 0.00001; gnomAD exomes 0.00002; 1000 Genomes Project 0.00040.
gnomAD v4.1: 18 of 1,614,122 alleles (0.0011%); highest among the groups gnomAD compares: African/African-American, 0.004%; no homozygotes.

Submissions (3):

Genetics Laboratory, Great Ormond Street Hospital NHS Foundation Trust, North Thames Genomic Laboratory Hub
Classification: Likely pathogenic for Fetal anomalies with a likely genetic cause. Last evaluated: 2026-06-29. Review status: criteria provided, single submitter. Criteria: ACGS Best Practice Guidelines for Variant Classification in Rare Disease 2024 v1.2. Collection method: clinical testing. Allele origin: germline. Affected: yes.
Comment: PM2_moderate, PP3_supporting, PS3_supporting, PM3_moderate

Labcorp Genetics (formerly Invitae), Labcorp
Classification: Uncertain significance for H syndrome. Last evaluated: 2025-11-28. Review status: criteria provided, single submitter. Criteria: Invitae Variant Classification Sherloc (09022015). Collection method: clinical testing. Allele origin: germline.
Comment: This sequence change replaces arginine, which is basic and polar, with glutamine, which is neutral and polar, at codon 386 of the SLC29A3 protein (p.Arg386Gln). The frequency data for this variant in the population databases is considered unreliable, as metrics indicate poor data quality at this position in the gnomAD database. This missense change has been observed in individuals with histiocytosis-lymphadenopathy plus syndrome and/or dysosteosclerosis (PMID: 22653152, 22875837; internal data). ClinVar contains an entry for this variant (Variation ID: 39870). Invitae Evidence Modeling of protein sequence and biophysical properties (such as structural, functional, and spatial information, amino acid conservation, physicochemical variation, residue mobility, and thermodynamic stability) has been performed for this missense variant. However, the output from this modeling did not meet the statistical confidence thresholds required to predict the impact of this variant on SLC29A3 protein function. In summary, the available evidence is currently insufficient to determine the role of this variant in disease. Therefore, it has been classified as a Variant of Uncertain Significance.

OMIM
Classification: Pathogenic for HISTIOCYTOSIS-LYMPHADENOPATHY PLUS SYNDROME. Last evaluated: 2012-11-15. Review status: no assertion criteria provided. Collection method: literature only. Allele origin: germline. Not counted in ClinVar's aggregate classification.

Literature cited by the submitters: PubMed 22653152 (cited by Labcorp Genetics (formerly Invitae), Labcorp and OMIM); PubMed 22875837 (cited by Labcorp Genetics (formerly Invitae), Labcorp and OMIM).